The following is an entry in ClinVar:

NM_138694.4(PKHD1):c.8227C>G (p.Gln2743Glu)

Gene: PKHD1 (PKHD1 ciliary IPT domain containing fibrocystin/polyductin; minus strand). Cytogenetic location: 6p12.2.
Variant type: single nucleotide variant.
Coding change: c.8227C>G on transcript NM_138694.4 (MANE Select); coding-DNA position 8227, C replaced by G.
Protein change: p.Gln2743Glu; replaces glutamine 2743 with glutamic acid.
Molecular consequence: missense variant.
Genome position (GRCh38, 1-based): chr6:51,830,936, G>C on the plus strand (C>G on the coding strand, the complement: PKHD1 is on the minus strand). VCF-style: chr6-51830936-G-C. GRCh37 (hg19) VCF-style: chr6-51695734-G-C.
Other names: p.Gln2743Glu; c.8227C>G, p.Gln2743Glu (NM_170724.3); short protein forms Q2743E.
Identifiers: ClinVar variation 3593810 (VCV003593810.2).

ClinVar aggregate classification (germline): Uncertain significance. Review status: criteria provided, multiple submitters, no conflicts (2 of 4 stars). 2 submissions from 2 submitters: Uncertain significance (2). Last evaluated 2024-11-08.

Conditions:
Polycystic kidney disease 4 (PKD4). Also called: Autosomal Recessive Polycystic Kidney Disease – PKHD1; PKD3; POLYCYSTIC KIDNEY AND HEPATIC DISEASE 1; POLYCYSTIC KIDNEY DISEASE, INFANTILE, TYPE I; POLYCYSTIC KIDNEY DISEASE 4 WITH OR WITHOUT POLYCYSTIC LIVER DISEASE. Identifiers: MedGen C4540575, MONDO:0033004, OMIM 263200.

gnomAD v4.1: 2 of 1,611,456 alleles (0.00012%); highest among the groups gnomAD compares: Non-Finnish European, 0.00017%; no homozygotes.

Submissions (2):

Mayo Clinic Laboratories, Mayo Clinic
Classification: Uncertain significance. Last evaluated: 2024-11-08. Review status: criteria provided, single submitter. Criteria: ACMG Guidelines, 2015. Collection method: clinical testing. Allele origin: germline. Observed: 1 variant allele.
Comment: BP4_moderate, PM2_supporting

Fulgent Genetics
Classification: Uncertain significance for Polycystic kidney disease 4. Last evaluated: 2024-03-24. Review status: criteria provided, single submitter. Criteria: ACMG Guidelines, 2015. Collection method: clinical testing. Allele origin: germline.